The following is an entry in ClinVar:

NM_001377.3(DYNC2H1):c.7576A>G (p.Ile2526Val)

Gene: DYNC2H1 (dynein cytoplasmic 2 heavy chain 1; plus strand). Cytogenetic location: 11q22.3.
Variant type: single nucleotide variant.
Coding change: c.7576A>G on transcript NM_001377.3 (MANE Select); coding-DNA position 7576, A replaced by G.
Protein change: p.Ile2526Val; replaces isoleucine 2526 with valine.
Molecular consequence: missense variant.
Genome position (GRCh38, 1-based): chr11:103,192,132, A>G. VCF-style: chr11-103192132-A-G. GRCh37 (hg19) VCF-style: chr11-103062861-A-G.
Other names: c.7576A>G, p.Ile2526Val (NM_001080463.2); short protein forms I2526V.
Identifiers: ClinVar variation 459282 (VCV000459282.16), dbSNP rs187196207, ClinGen allele CA6254281.

ClinVar aggregate classification (germline): Conflicting classifications of pathogenicity. Review status: criteria provided, conflicting classifications (1 of 4 stars). 5 submissions from 5 submitters: Uncertain significance (1); Likely benign (3). 1 of the submissions does not count toward it. Last evaluated 2026-01-28.

Conditions:
DYNC2H1-related disorder. Also called: DYNC2H1-related condition; DYNC2H1-related disorders. Identifiers: MedGen CN378770.
Inborn genetic diseases. Identifiers: MedGen C0950123, MeSH D030342.
Jeune thoracic dystrophy. Also called: Jeune syndrome; Infantile thoracic dystrophy; Thoracic pelvic phalangeal dystrophy; Jeune's syndrome; Chondroectodermal dysplasia-like syndrome; Short-rib thoracic dysplasia. Identifiers: Orphanet 474, MedGen C0265275, MONDO:0018770.

Allele frequency attached by ClinVar (database versions not stated): TOPMed 0.00026; gnomAD exomes 0.00028 and 0.00057; gnomAD 0.00031 and 0.00038; 1000 Genomes Project 0.00040; 1000 Genomes Project 30x 0.00047; ExAC 0.00096.
gnomAD v4.1: 475 of 1,548,516 alleles (0.031%); highest among the groups gnomAD compares: East Asian, 0.45%; no homozygotes.

Submissions (5):

Labcorp Genetics (formerly Invitae), Labcorp
Classification: Likely benign for Jeune thoracic dystrophy. Last evaluated: 2026-01-28. Review status: criteria provided, single submitter. Criteria: Invitae Variant Classification Sherloc (09022015). Collection method: clinical testing. Allele origin: germline.

Ambry Genetics
Classification: Uncertain significance for Inborn genetic diseases. Last evaluated: 2025-04-11. Review status: criteria provided, single submitter. Criteria: Ambry Variant Classification Scheme 2023. Collection method: clinical testing. Allele origin: germline.

Blueprint Genetics
Classification: Likely benign. Last evaluated: 2024-10-18. Review status: criteria provided, single submitter. Criteria: ACMG Guidelines, 2015. Collection method: clinical testing. Allele origin: germline.

GeneDx
Classification: Likely benign. Last evaluated: 2019-07-26. Review status: criteria provided, single submitter. Criteria: GeneDx Variant Classification Process June 2021. Collection method: clinical testing. Allele origin: germline. Affected: yes.
Comment: See Variant Classification Assertion Criteria.

PreventionGenetics, part of Exact Sciences
Classification: Benign for DYNC2H1-related condition. Last evaluated: 2020-01-21. Review status: no assertion criteria provided. Collection method: clinical testing. Allele origin: germline. Not counted in ClinVar's aggregate classification.
Comment: This variant is classified as benign based on ACMG/AMP sequence variant interpretation guidelines (Richards et al. 2015 PMID: 25741868, with internal and published modifications).